The following is an entry in ClinVar:

ClinVar aggregate classification (germline): Uncertain significance (1 of 4 stars; one submission).

Conditions:
Baller-Gerold syndrome (BGS). Also called: CRANIOSYNOSTOSIS WITH RADIAL DEFECTS. Identifiers: Orphanet 1225, MedGen C0265308, MONDO:0009039, OMIM 218600.

Submission:

Labcorp Genetics (formerly Invitae), Labcorp
Classification: Uncertain significance for Baller-Gerold syndrome. Last evaluated: 2020-12-20. Review status: criteria provided, single submitter. Criteria: Invitae Variant Classification Sherloc (09022015). Collection method: clinical testing. Allele origin: germline.
Comment: This sequence change replaces lysine with asparagine at codon 380 of the RECQL4 protein (p.Lys380Asn). The lysine residue is highly conserved and there is a moderate physicochemical difference between lysine and asparagine. This variant is not present in population databases (ExAC no frequency). This variant has not been reported in the literature in individuals with RECQL4-related conditions. Experimental studies and prediction algorithms are not available or were not evaluated, and the functional significance of this variant is currently unknown. In summary, the available evidence is currently insufficient to determine the role of this variant in disease. Therefore, it has been classified as a Variant of Uncertain Significance.

NM_004260.4(RECQL4):c.1140G>T (p.Lys380Asn)

Gene: RECQL4 (RecQ like helicase 4; minus strand). Cytogenetic location: 8q24.3.
Variant type: single nucleotide variant.
Coding change: c.1140G>T on transcript NM_004260.4 (MANE Select); coding-DNA position 1140, G replaced by T.
Protein change: p.Lys380Asn; replaces lysine 380 with asparagine.
Molecular consequence: missense variant.
Genome position (GRCh38, 1-based): chr8:144,515,882, C>A on the plus strand (G>T on the coding strand, the complement: RECQL4 is on the minus strand). VCF-style: chr8-144515882-C-A. GRCh37 (hg19) VCF-style: chr8-145741266-C-A.
Other names: short protein forms K380N.
Identifiers: ClinVar variation 1357736 (VCV001357736.6), dbSNP rs1159732841, ClinGen allele CA372687836.